The following is an entry in ClinVar:

NM_015466.4(PTPN23):c.3040dup (p.Leu1014fs)

Gene: PTPN23 (protein tyrosine phosphatase non-receptor type 23; plus strand). Cytogenetic location: 3p21.31.
Variant type: Duplication.
Coding change: c.3040dup on transcript NM_015466.4 (MANE Select); coding-DNA position 3040, one base duplicated (C; older notation c.3040dupC).
Protein change: p.Leu1014fs; shifts the reading frame from leucine 1014.
Molecular consequence: frameshift variant.
Genome position (GRCh38, 1-based): chr3:47,410,838, C duplicated; the last of 7 consecutive C bases (chr3:47,410,832-47,410,838); duplicating any one gives the same sequence. VCF-style (leftmost placement, unchanged base first): chr3-47410831-A-AC. GRCh37 (hg19) VCF-style: chr3-47452321-A-AC.
Other names: c.3040dup (NM_015466.2); c.2662dup, p.Leu888fs (NM_001304482.2); short protein forms L1014fs, L888fs.
Identifiers: ClinVar variation 1913339 (VCV001913339.7), dbSNP rs770411657, ClinGen allele CA2366175.

ClinVar aggregate classification (germline): Pathogenic/Likely pathogenic. Review status: criteria provided, multiple submitters, no conflicts (2 of 4 stars). 2 submissions from 2 submitters: Pathogenic (1); Likely pathogenic (1). Last evaluated 2025-10-29.

Submissions (2):

Labcorp Genetics (formerly Invitae), Labcorp
Classification: Pathogenic. Last evaluated: 2025-10-29. Review status: criteria provided, single submitter. Criteria: Invitae Variant Classification Sherloc (09022015). Collection method: clinical testing. Allele origin: germline.
Comment: This sequence change creates a premature translational stop signal (p.Leu1014Profs*68) in the PTPN23 gene. It is expected to result in an absent or disrupted protein product. Loss-of-function variants in PTPN23 are known to be pathogenic (PMID: 29090338, 29899372). The frequency data for this variant in the population databases is considered unreliable, as metrics indicate poor data quality at this position in the gnomAD database. This variant has not been reported in the literature in individuals affected with PTPN23-related conditions. ClinVar contains an entry for this variant (Variation ID: 1913339). For these reasons, this variant has been classified as Pathogenic.

GeneDx
Classification: Likely pathogenic. Last evaluated: 2024-11-19. Review status: criteria provided, single submitter. Criteria: GeneDx Variant Classification Process June 2021. Collection method: clinical testing. Allele origin: germline.
Comment: Frameshift variant predicted to result in protein truncation or nonsense mediated decay in a gene for which loss of function is a known mechanism of disease; Not observed at significant frequency in large population cohorts (gnomAD); Has not been previously published as pathogenic or benign to our knowledge

Literature cited by the submitters: PubMed 29090338 (cited by Labcorp Genetics (formerly Invitae), Labcorp); PubMed 29899372 (cited by Labcorp Genetics (formerly Invitae), Labcorp).